The following is an entry in ClinVar:

NM_000179.3(MSH6):c.63C>T (p.Asn21=)

Gene: MSH6 (mutS homolog 6; plus strand). Cytogenetic location: 2p16.3.
Variant type: single nucleotide variant.
Coding change: c.63C>T on transcript NM_000179.3 (MANE Select); coding-DNA position 63, C replaced by T.
Protein change: p.Asn21=; no amino-acid change (asparagine 21 retained).
Molecular consequence: synonymous variant. On other transcripts: 5 prime UTR variant (1).
Genome position (GRCh38, 1-based): chr2:47,783,296, C>T. VCF-style: chr2-47783296-C-T. GRCh37 (hg19) VCF-style: chr2-48010435-C-T.
Other names: c.63C>T, p.Asn21= (NM_001281492.2); c.-674C>T (NM_001281493.2).
Identifiers: ClinVar variation 919809 (VCV000919809.13), dbSNP rs876660097, ClinGen allele CA425987038.
Genomic context (GRCh38, chr2:47,783,296, plus strand): 5'-GTCGCGACAGAGCACCCTGTACAGCTTCTTCCCCAAGTCTCCGGCGCTGAGTGATGCCAA[C>T]AAGGCCTCGGCCAGGGCCTCACGCGAAGGCGGCCGTGCCGCCGCTGCCCCCGGGGCCTCT-3'
Protein context (NP_000170.1, residues 11-31): FPKSPALSDA[Asn21=]KASARASREG

ClinVar aggregate classification (germline): Benign/Likely benign. Review status: criteria provided, multiple submitters, no conflicts (2 of 4 stars). 4 submissions from 4 submitters: Benign (1); Likely benign (3). Last evaluated 2024-12-16.

Conditions:
Lynch syndrome 5 (LYNCH5). Also called: Colorectal cancer, hereditary nonpolyposis, type 5; Hereditary non-polyposis colorectal cancer, type 5. Identifiers: Orphanet 144, MedGen C1833477, MONDO:0013710, OMIM 614350. Disease mechanism: loss of function.
Hereditary nonpolyposis colorectal neoplasms. Identifiers: MedGen C0009405, MeSH D003123.
Hereditary cancer-predisposing syndrome. Also called: Neoplastic Syndromes, Hereditary; Tumor predisposition; Hereditary Cancer Syndrome; Hereditary neoplastic syndrome. Identifiers: Orphanet 140162, MedGen C0027672, MeSH D009386, MONDO:0015356.

gnomAD v4.1: 1 of 1,612,188 alleles (0.000062%); highest among the groups gnomAD compares: Non-Finnish European, 0.000085%; no homozygotes.

Submissions (4):

Myriad Genetics, Inc.
Classification: Benign for Lynch syndrome 5. Last evaluated: 2024-12-16. Review status: criteria provided, single submitter. Criteria: Myriad Autosomal Dominant, Autosomal Recessive and X-Linked Classification Criteria (2023). Collection method: clinical testing. Allele origin: unknown.
Comment: This variant is considered benign. This variant is a silent/synonymous amino acid change and it is not expected to impact splicing.

Ambry Genetics
Classification: Likely benign for Hereditary cancer-predisposing syndrome. Last evaluated: 2023-11-09. Review status: criteria provided, single submitter. Criteria: Ambry Variant Classification Scheme 2023. Collection method: clinical testing. Allele origin: germline.

Labcorp Genetics (formerly Invitae), Labcorp
Classification: Likely benign for Hereditary nonpolyposis colorectal neoplasms. Last evaluated: 2022-08-09. Review status: criteria provided, single submitter. Criteria: Invitae Variant Classification Sherloc (09022015). Collection method: clinical testing. Allele origin: germline.

Color Diagnostics, LLC DBA Color Health
Classification: Likely benign for Hereditary cancer-predisposing syndrome. Last evaluated: 2018-12-10. Review status: criteria provided, single submitter. Criteria: ACMG Guidelines, 2015. Collection method: clinical testing. Allele origin: germline.